The following is an entry in ClinVar:

NM_178014.4(TUBB):c.901G>A (p.Ala301Thr)

Gene: TUBB (tubulin beta class I; plus strand). Cytogenetic location: 6p21.33.
Variant type: single nucleotide variant.
Coding change: c.901G>A on transcript NM_178014.4 (MANE Select); coding-DNA position 901, G replaced by A.
Protein change: p.Ala301Thr; replaces alanine 301 with threonine.
Molecular consequence: missense variant. On other transcripts: non-coding transcript variant (1), intron variant (1).
Genome position (GRCh38, 1-based): chr6:30,723,963, G>A. VCF-style: chr6-30723963-G-A. GRCh37 (hg19) VCF-style: chr6-30691740-G-A.
Other names: c.961G>A, p.Ala321Thr (NM_001293212.2); c.769G>A, p.Ala257Thr (NM_001293214.2); c.685G>A, p.Ala229Thr (NM_001293215.2, NM_001293216.2); c.370-75G>A (NM_001293213.2); short protein forms A301T, A257T, A321T, A229T.
Identifiers: ClinVar variation 5007009 (VCV005007009.2).

ClinVar aggregate classification (germline): Uncertain significance (1 of 4 stars; one submission).

Conditions:
Complex cortical dysplasia with other brain malformations 6. Identifiers: MedGen C4014283, MONDO:0014341, OMIM 615771.
Skin creases, congenital symmetric circumferential, 1. Also called: Multiple benign circumferential skin creases on limbs 1; MICHELIN TIRE BABY SYNDROME; SKIN CREASES, MULTIPLE BENIGN RING-SHAPED, OF LIMBS; CIRCUMFERENTIAL SKIN CREASES, KUNZE TYPE. Identifiers: MedGen C4551592, MONDO:0020738, OMIM 156610.

Submission:

Juno Genomics, Hangzhou Juno Genomics, Inc
Classification: Uncertain significance for Complex cortical dysplasia with other brain malformations 6; Skin creases, congenital symmetric circumferential, 1. Review status: criteria provided, single submitter. Criteria: ACMG Guidelines, 2015. Collection method: clinical testing. Allele origin: germline.
Comment: Absent from controls (or at extremely low frequency if recessive) in Genome Aggregation Database.;Missense variant in a gene that has a low rate of benign missense variation.